The following is an entry in ClinVar:

NM_005561.4(LAMP1):c.446T>C (p.Ile149Thr)

Gene: LAMP1 (lysosomal associated membrane protein 1; plus strand). Cytogenetic location: 13q34.
Variant type: single nucleotide variant.
Coding change: c.446T>C on transcript NM_005561.4 (MANE Select); coding-DNA position 446, T replaced by C.
Protein change: p.Ile149Thr; replaces isoleucine 149 with threonine.
Molecular consequence: missense variant.
Genome position (GRCh38, 1-based): chr13:113,310,751, T>C. VCF-style: chr13-113310751-T-C. GRCh37 (hg19) VCF-style: chr13-113965066-T-C.
Other names: short protein forms I149T.
Identifiers: ClinVar variation 2310595 (VCV002310595.4), dbSNP rs755377731, ClinGen allele CA7062610.
Genomic context (GRCh38, chr13:113,310,751, plus strand): 5'-TTTTTTTTTTTAATCTAGAAATCAAGACTGTGGAATCTATAACTGACATCAGGGCAGATA[T>C]AGATAAAAAATACAGATGTGTTAGTGGCACCCAGGTCCACATGAACAACGTGACCGTAAC-3'
Protein context (NP_005552.3, residues 139-159): VESITDIRAD[Ile149Thr]DKKYRCVSGT

ClinVar aggregate classification (germline): Uncertain significance. Review status: criteria provided, multiple submitters, no conflicts (2 of 4 stars). 2 submissions from 2 submitters: Uncertain significance (2). Last evaluated 2025-08-03.

Allele frequency attached by ClinVar (database versions not stated): ExAC 0.00001; gnomAD 0.00001; gnomAD exomes 0.00002; TOPMed 0.00002.

Submissions (2):

Ambry Genetics
Classification: Uncertain significance. Last evaluated: 2025-08-03. Review status: criteria provided, single submitter. Criteria: Ambry Variant Classification Scheme 2023. Collection method: clinical testing. Allele origin: germline.

Women's Health and Genetics/Laboratory Corporation of America, LabCorp
Classification: Uncertain significance. Last evaluated: 2024-12-17. Review status: criteria provided, single submitter. Criteria: LabCorp Variant Classification Summary - May 2015. Collection method: clinical testing. Allele origin: germline.
Comment: Variant summary: LAMP1 c.446T>C (p.Ile149Thr) results in a non-conservative amino acid change located in the Lysosome-associated membrane glycoprotein domain (IPR002000) of the encoded protein sequence. Three of five in-silico tools predict a damaging effect of the variant on protein function. The variant allele was found at a frequency of 1.2e-05 in 249000 control chromosomes. The available data on variant occurrences in the general population are insufficient to allow any conclusion about variant significance. To our knowledge, no occurrence of c.446T>C in individuals affected with LAMP1 Related Disorders and no experimental evidence demonstrating its impact on protein function have been reported. ClinVar contains an entry for this variant (Variation ID: 2310595). Based on the evidence outlined above, the variant was classified as uncertain significance.